The following is an entry in ClinVar:

NM_201548.5(CERKL):c.239-1G>A

Gene: CERKL (CERK like autophagy regulator; minus strand). Cytogenetic location: 2q31.3.
Variant type: single nucleotide variant.
Coding change: c.239-1G>A on transcript NM_201548.5 (MANE Select); the canonical splice acceptor site of the intron before coding-DNA position 239, G replaced by A.
Molecular consequence: splice acceptor variant.
Genome position (GRCh38, 1-based): chr2:181,604,080, C>T on the plus strand (G>A on the coding strand, the complement: CERKL is on the minus strand). VCF-style: chr2-181604080-C-T. GRCh37 (hg19) VCF-style: chr2-182468807-C-T.
Other names: c.239-1G>A (NM_001030312.3, NM_001160277.2, NM_001030313.3 and 1 more transcripts).
Identifiers: ClinVar variation 594404 (VCV000594404.12), dbSNP rs1559100465, ClinGen allele CA349731151.
Genomic context (GRCh38, chr2:181,604,080, plus strand): 5'-AGAATATGTCTTTGAGTTCAATAAATTCTTCTTTACATAGCAAGTCATACTTAGAATCAC[C>T]TGAAAAAAAAATAAATTTTCCAATTAAAACCATTGTGTTTCATAGAGAGGAACAACAGAC-3'

ClinVar aggregate classification (germline): Pathogenic/Likely pathogenic. Review status: criteria provided, multiple submitters, no conflicts (2 of 4 stars). 3 submissions from 3 submitters: Pathogenic (1); Likely pathogenic (1). 1 of the submissions does not count toward it. Last evaluated 2024-12-23.

Conditions:
Retinitis pigmentosa 26 (RP26). Identifiers: Orphanet 791, MedGen C1842127, MONDO:0012024, OMIM 608380.

Allele frequency attached by ClinVar (database versions not stated): gnomAD exomes 0.00001.
gnomAD v4.1: 11 of 1,587,964 alleles (0.00069%); highest among the groups gnomAD compares: Non-Finnish European, 0.00086%; no homozygotes.

Submissions (3):

Labcorp Genetics (formerly Invitae), Labcorp
Classification: Pathogenic. Last evaluated: 2024-12-23. Review status: criteria provided, single submitter. Criteria: Invitae Variant Classification Sherloc (09022015). Collection method: clinical testing. Allele origin: germline.
Comment: This sequence change affects an acceptor splice site in intron 1 of the CERKL gene. It is expected to disrupt RNA splicing. Variants that disrupt the donor or acceptor splice site typically lead to a loss of protein function (PMID: 16199547), and loss-of-function variants in CERKL are known to be pathogenic (PMID: 14681825, 23591405, 24043777). This variant is not present in population databases (gnomAD no frequency). Disruption of this splice site has been observed in individuals with inherited retinal dystrophy (PMID: 33090715; internal data). ClinVar contains an entry for this variant (Variation ID: 594404). Algorithms developed to predict the effect of sequence changes on RNA splicing suggest that this variant may disrupt the consensus splice site. For these reasons, this variant has been classified as Pathogenic.

Eurofins Ntd Llc (ga)
Classification: Likely pathogenic. Last evaluated: 2017-10-05. Review status: criteria provided, single submitter. Criteria: EGL Classification Definitions 2015. Collection method: clinical testing. Allele origin: germline. Observed: 1 variant allele, 1 heterozygote.

Natera, Inc.
Classification: Likely pathogenic for Retinitis Pigmentosa 26. Last evaluated: 2021-03-22. Review status: no assertion criteria provided. Collection method: clinical testing. Allele origin: germline. Not counted in ClinVar's aggregate classification.

Literature cited by the submitters: PubMed 16199547 (cited by Labcorp Genetics (formerly Invitae), Labcorp); PubMed 14681825 (cited by Labcorp Genetics (formerly Invitae), Labcorp); PubMed 23591405 (cited by Labcorp Genetics (formerly Invitae), Labcorp); PubMed 24043777 (cited by Labcorp Genetics (formerly Invitae), Labcorp); PubMed 33090715 (cited by Labcorp Genetics (formerly Invitae), Labcorp).